The following is an entry in ClinVar:

ClinVar aggregate classification (germline): Uncertain significance. Review status: criteria provided, multiple submitters, no conflicts (2 of 4 stars). 2 submissions from 2 submitters: Uncertain significance (2). Last evaluated 2026-05-28.

Conditions:
PTCHD1-related disorder. Also called: PTCHD1-related condition.

Submissions (2):

PreventionGenetics, part of Exact Sciences
Classification: Uncertain significance for PTCHD1-related condition. Last evaluated: 2026-05-28. Review status: criteria provided, single submitter. Criteria: ACMG Guidelines, 2015. Collection method: clinical testing. Allele origin: germline.
Comment: The PTCHD1 c.2042T>A variant is predicted to result in the amino acid substitution p.Val681Asp. To our knowledge, this variant has not been reported in the literature or in a large population database (gnomAD), indicating this variant is rare. At this time, the clinical significance of this variant is uncertain due to the absence of conclusive functional and genetic evidence.

GeneDx
Classification: Uncertain significance. Last evaluated: 2024-02-29. Review status: criteria provided, single submitter. Criteria: GeneDx Variant Classification Process June 2021. Collection method: clinical testing. Allele origin: germline. Affected: yes.
Comment: Not observed at significant frequency in large population cohorts (gnomAD); In silico analysis supports that this missense variant has a deleterious effect on protein structure/function; Has not been previously published as pathogenic or benign to our knowledge

NM_173495.3(PTCHD1):c.2042T>A (p.Val681Asp)

Gene: PTCHD1 (patched domain containing 1; plus strand). Cytogenetic location: Xp22.11.
Variant type: single nucleotide variant.
Coding change: c.2042T>A on transcript NM_173495.3 (MANE Select); coding-DNA position 2042, T replaced by A.
Protein change: p.Val681Asp; replaces valine 681 with aspartic acid.
Molecular consequence: missense variant.
Genome position (GRCh38, 1-based): chrX:23,393,560, T>A. VCF-style: chrX-23393560-T-A. GRCh37 (hg19) VCF-style: chrX-23411677-T-A.
Other names: short protein forms V681D.
Identifiers: ClinVar variation 3369392 (VCV003369392.2).